The following is an entry in ClinVar:

ClinVar aggregate classification (germline): Likely pathogenic (1 of 4 stars; one submission).

Submission:

Labcorp Genetics (formerly Invitae), Labcorp
Classification: Likely pathogenic. Last evaluated: 2024-10-03. Review status: criteria provided, single submitter. Criteria: Invitae Variant Classification Sherloc (09022015). Collection method: clinical testing. Allele origin: germline.
Comment: This sequence change affects an acceptor splice site in intron 13 of the CDH3 gene. It is expected to disrupt RNA splicing. Variants that disrupt the donor or acceptor splice site typically lead to a loss of protein function (PMID: 16199547), and loss-of-function variants in CDH3 are known to be pathogenic (PMID: 15805154, 27386845, 29620724). This variant is not present in population databases (gnomAD no frequency). This variant has not been reported in the literature in individuals affected with CDH3-related conditions. ClinVar contains an entry for this variant (Variation ID: 1493738). Algorithms developed to predict the effect of sequence changes on RNA splicing suggest that this variant may disrupt the consensus splice site. In summary, the currently available evidence indicates that the variant is pathogenic, but additional data are needed to prove that conclusively. Therefore, this variant has been classified as Likely Pathogenic.

Literature cited by the submitters: PubMed 16199547; PubMed 15805154; PubMed 27386845; PubMed 29620724.

NM_001793.6(CDH3):c.2003-2A>G

Gene: CDH3 (cadherin 3; plus strand). Cytogenetic location: 16q22.1.
Variant type: single nucleotide variant.
Coding change: c.2003-2A>G on transcript NM_001793.6 (MANE Select); the canonical splice acceptor site of the intron before coding-DNA position 2003, A replaced by G.
Molecular consequence: splice acceptor variant.
Genome position (GRCh38, 1-based): chr16:68,695,253, A>G. VCF-style: chr16-68695253-A-G. GRCh37 (hg19) VCF-style: chr16-68729156-A-G.
Other names: c.1838-2A>G (NM_001317196.2); c.2003-2A>G (NM_001317195.3).
Identifiers: ClinVar variation 1493738 (VCV001493738.6), dbSNP rs2152106824, ClinGen allele CA396455860.
Genomic context (GRCh38, chr16:68,695,253, plus strand): 5'-CTGGGGGTCTTGGCCCACTGTGTGGTTACAGAGGGAGCACTCACACTCCCCAACCCTTGC[A>G]GTCCTCCTGCTGGTGCTGCTTTTGTTGGTGAGAAAGAAGCGGAAGATCAAGGAGCCCCTC-3'